The following is an entry in ClinVar:

ClinVar aggregate classification (germline): Likely benign. Review status: criteria provided, multiple submitters, no conflicts (2 of 4 stars). 2 submissions from 2 submitters: Likely benign (2). Last evaluated 2024-10-30.

Conditions:
Hyperphosphatasia with impaired intellectual development syndrome 2. Also called: Hyperphosphatasia with intellectual disability syndrome 2; GLYCOSYLPHOSPHATIDYLINOSITOL BIOSYNTHESIS DEFECT 6. Identifiers: Orphanet 247262, MedGen C3553637, MONDO:0013882, OMIM 614749.

Allele frequency attached by ClinVar (database versions not stated): gnomAD exomes below 0.00001; TOPMed below 0.00001; ExAC 0.00001; gnomAD 0.00001.
gnomAD v4.1: 3 of 1,596,294 alleles (0.00019%); highest among the groups gnomAD compares: Non-Finnish European, 0.00026%; no homozygotes.

Submissions (2):

Labcorp Genetics (formerly Invitae), Labcorp
Classification: Likely benign for Hyperphosphatasia with impaired intellectual development syndrome 2. Last evaluated: 2024-10-30. Review status: criteria provided, single submitter. Criteria: Invitae Variant Classification Sherloc (09022015). Collection method: clinical testing. Allele origin: germline.

GeneDx
Classification: Likely benign. Last evaluated: 2016-02-12. Review status: criteria provided, single submitter. Criteria: GeneDx Variant Classification (06012015). Collection method: clinical testing. Allele origin: germline. Affected: yes.
Comment: This variant is considered likely benign or benign based on one or more of the following criteria: it is a conservative change, it occurs at a poorly conserved position in the protein, it is predicted to be benign by multiple in silico algorithms, and/or has population frequency not consistent with disease.

NM_032634.4(PIGO):c.512-7C>T

Gene: PIGO (phosphatidylinositol glycan anchor biosynthesis class O; minus strand). Cytogenetic location: 9p13.3.
Variant type: single nucleotide variant.
Coding change: c.512-7C>T on transcript NM_032634.4 (MANE Select); 7 bases into the intron before coding-DNA position 512, C replaced by T.
Molecular consequence: intron variant.
Genome position (GRCh38, 1-based): chr9:35,094,366, G>A on the plus strand (C>T on the coding strand, the complement: PIGO is on the minus strand). VCF-style: chr9-35094366-G-A. GRCh37 (hg19) VCF-style: chr9-35094363-G-A.
Other names: c.512-7C>T (NM_152850.4, NM_001201484.2).
Identifiers: ClinVar variation 383446 (VCV000383446.5), dbSNP rs760113080, ClinGen allele CA5040912.